The following is an entry in ClinVar:

ClinVar aggregate classification (germline): Uncertain significance (1 of 4 stars; one submission).

Submission:

Ambry Genetics
Classification: Uncertain significance. Last evaluated: 2024-12-08. Review status: criteria provided, single submitter. Criteria: Ambry Variant Classification Scheme 2023. Collection method: clinical testing. Allele origin: germline.
Comment: The p.F396C variant (also known as c.1187T>G), located in coding exon 6 of the GFI1 gene, results from a T to G substitution at nucleotide position 1187. The phenylalanine at codon 396 is replaced by cysteine, an amino acid with highly dissimilar properties. This amino acid position is conserved. In addition, this alteration is predicted to be deleterious by in silico analysis. Based on the available evidence, the clinical significance of this variant remains unclear.

NM_005263.5(GFI1):c.1187T>G (p.Phe396Cys)

Genes: GFI1 (growth factor independent 1 transcriptional repressor; minus strand), LOC129930930 (ATAC-STARR-seq lymphoblastoid active region 1314; plus strand). Cytogenetic location: 1p22.1.
Variant type: single nucleotide variant.
Coding change: c.1187T>G on transcript NM_005263.5 (MANE Select); coding-DNA position 1187, T replaced by G.
Protein change: p.Phe396Cys; replaces phenylalanine 396 with cysteine.
Molecular consequence: missense variant.
Genome position (GRCh38, 1-based): chr1:92,476,111, A>C on the plus strand (T>G on the coding strand, the complement: GFI1 is on the minus strand). VCF-style: chr1-92476111-A-C. GRCh37 (hg19) VCF-style: chr1-92941668-A-C.
Other names: c.1187T>G, p.Phe396Cys (NM_001127215.3, NM_001127216.3); short protein forms F396C.
Identifiers: ClinVar variation 3519854 (VCV003519854.1).
Genomic context (GRCh38, chr1:92,476,111, plus strand): 5'-TCCCGGTGCCTTCGGAGGTCCACCTTCCTCTGGAAACCCTTCCCACAGAGGTCGCAGCCG[A>C]AGGGCTTGAAGCCTGTGTGTTTGCGGCTGTGGGTGATGAGGTTGGAGCTCTGGCTGAATG-3'
Protein context (NP_005254.2, residues 386-406): HSRKHTGFKP[Phe396Cys]GCDLCGKGFQ